The following is an entry in ClinVar:

NM_022168.4(IFIH1):c.1669A>T (p.Ile557Leu)

Gene: IFIH1 (interferon induced with helicase C domain 1; minus strand). Cytogenetic location: 2q24.2.
Variant type: single nucleotide variant.
Coding change: c.1669A>T on transcript NM_022168.4 (MANE Select); coding-DNA position 1669, A replaced by T.
Protein change: p.Ile557Leu; replaces isoleucine 557 with leucine.
Molecular consequence: missense variant.
Genome position (GRCh38, 1-based): chr2:162,278,301, T>A on the plus strand (A>T on the coding strand, the complement: IFIH1 is on the minus strand). VCF-style: chr2-162278301-T-A. GRCh37 (hg19) VCF-style: chr2-163134811-T-A.
Other names: short protein forms I557L.
Identifiers: ClinVar variation 1315306 (VCV001315306.3), dbSNP rs2105198684, ClinGen allele CA349000261.

ClinVar aggregate classification (germline): Uncertain significance (1 of 4 stars; one submission).

Submission:

GeneDx
Classification: Uncertain significance. Last evaluated: 2025-06-02. Review status: criteria provided, single submitter. Criteria: GeneDx Variant Classification Process June 2021. Collection method: clinical testing. Allele origin: germline. Affected: yes.
Comment: Not observed at significant frequency in large population cohorts (gnomAD); In silico analysis suggests that this missense variant does not alter protein structure/function; Has not been previously published as pathogenic or benign to our knowledge